The following is an entry in ClinVar:

NM_021098.3(CACNA1H):c.1849C>G (p.Leu617Val)

Gene: CACNA1H (calcium voltage-gated channel subunit alpha1 H; plus strand). Cytogenetic location: 16p13.3.
Variant type: single nucleotide variant.
Coding change: c.1849C>G on transcript NM_021098.3 (MANE Select); coding-DNA position 1849, C replaced by G.
Protein change: p.Leu617Val; replaces leucine 617 with valine.
Molecular consequence: missense variant.
Genome position (GRCh38, 1-based): chr16:1,202,299, C>G. VCF-style: chr16-1202299-C-G. GRCh37 (hg19) VCF-style: chr16-1252299-C-G.
Other names: c.1849C>G, p.Leu617Val (NM_001005407.2); short protein forms L617V.
Identifiers: ClinVar variation 1463194 (VCV001463194.8), dbSNP rs867292141, ClinGen allele CA394162682.

ClinVar aggregate classification (germline): Uncertain significance (1 of 4 stars; one submission).

Conditions:
Idiopathic generalized epilepsy. Also called: Generalised epilepsy; EIG. Identifiers: MedGen C0270850, MONDO:0005579, OMIM 600669.
Hyperaldosteronism, familial, type IV (HALD4). Also called: FH IV; ALDOSTERONISM, PRIMARY, AND HYPERTENSION. Identifiers: Orphanet 642671, MedGen C4310756, MONDO:0014875, OMIM 617027.

Submission:

Labcorp Genetics (formerly Invitae), Labcorp
Classification: Uncertain significance for Idiopathic generalized epilepsy; Hyperaldosteronism, familial, type IV. Last evaluated: 2022-03-22. Review status: criteria provided, single submitter. Criteria: Invitae Variant Classification Sherloc (09022015). Collection method: clinical testing. Allele origin: germline.
Comment: This variant has not been reported in the literature in individuals affected with CACNA1H-related conditions. In summary, the available evidence is currently insufficient to determine the role of this variant in disease. Therefore, it has been classified as a Variant of Uncertain Significance. Advanced modeling of protein sequence and biophysical properties (such as structural, functional, and spatial information, amino acid conservation, physicochemical variation, residue mobility, and thermodynamic stability) performed at Invitae indicates that this missense variant is not expected to disrupt CACNA1H protein function. This variant is not present in population databases (gnomAD no frequency). This sequence change replaces leucine, which is neutral and non-polar, with valine, which is neutral and non-polar, at codon 617 of the CACNA1H protein (p.Leu617Val).